The following is an entry in ClinVar:

ClinVar aggregate classification (germline): Uncertain significance. Review status: criteria provided, multiple submitters, no conflicts (2 of 4 stars). 2 submissions from 2 submitters: Uncertain significance (2). Last evaluated 2022-04-25.

Conditions:
Combined oxidative phosphorylation defect type 17. Also called: Combined oxidative phosphorylation deficiency 17. Identifiers: Orphanet 369913, MedGen C3809526, MONDO:0014190, OMIM 615440.

Allele frequency attached by ClinVar (database versions not stated): gnomAD 0.00005 and 0.00006; gnomAD exomes 0.00006 and 0.00014; TOPMed 0.00006; ESP Exome Variant Server 0.00008; ExAC 0.00009.

Submissions (2):

Labcorp Genetics (formerly Invitae), Labcorp
Classification: Uncertain significance for Combined oxidative phosphorylation defect type 17. Last evaluated: 2022-04-25. Review status: criteria provided, single submitter. Criteria: Invitae Variant Classification Sherloc (09022015). Collection method: clinical testing. Allele origin: germline.
Comment: This sequence change replaces glycine, which is neutral and non-polar, with arginine, which is basic and polar, at codon 132 of the ELAC2 protein (p.Gly132Arg). This variant is present in population databases (rs374005835, gnomAD 0.009%). This missense change has been observed in individual(s) with complex hyperkinetic syndrome and acanthocytosis (PMID: 30217939). ClinVar contains an entry for this variant (Variation ID: 488161). Algorithms developed to predict the effect of missense changes on protein structure and function are either unavailable or do not agree on the potential impact of this missense change (SIFT: "Deleterious"; PolyPhen-2: "Probably Damaging"; Align-GVGD: "Class C0"). In summary, the available evidence is currently insufficient to determine the role of this variant in disease. Therefore, it has been classified as a Variant of Uncertain Significance.

Phosphorus, Inc.
Classification: Uncertain significance for Combined oxidative phosphorylation defect type 17. Last evaluated: 2017-08-01. Review status: criteria provided, single submitter. Criteria: ACMG Guidelines, 2015. Collection method: clinical testing. Allele origin: germline. Observed: 1 variant allele.

Literature cited by the submitters: PubMed 30217939 (cited by Labcorp Genetics (formerly Invitae), Labcorp).

NM_018127.7(ELAC2):c.394G>A (p.Gly132Arg)

Gene: ELAC2 (elaC ribonuclease Z 2; minus strand). Cytogenetic location: 17p12.
Variant type: single nucleotide variant.
Coding change: c.394G>A on transcript NM_018127.7 (MANE Select); coding-DNA position 394, G replaced by A.
Protein change: p.Gly132Arg; replaces glycine 132 with arginine.
Molecular consequence: missense variant.
Genome position (GRCh38, 1-based): chr17:13,015,806, C>T on the plus strand (G>A on the coding strand, the complement: ELAC2 is on the minus strand). VCF-style: chr17-13015806-C-T. GRCh37 (hg19) VCF-style: chr17-12919123-C-T.
Other names: c.394G>A, p.Gly132Arg (NM_001165962.2, NM_173717.2); short protein forms G132R.
Identifiers: ClinVar variation 488161 (VCV000488161.3), dbSNP rs374005835, ClinGen allele CA8401682.